The following is an entry in ClinVar:

NM_004260.4(RECQL4):c.3200_3205del (p.Leu1067_Ala1068del)

Gene: RECQL4 (RecQ like helicase 4; minus strand). Cytogenetic location: 8q24.3.
Variant type: Deletion.
Coding change: c.3200_3205del on transcript NM_004260.4 (MANE Select); coding-DNA positions 3200 to 3205, 6 bases deleted (TGGCCC; older notation c.3200_3205delTGGCCC).
Protein change: p.Leu1067_Ala1068del.
Molecular consequence: inframe deletion.
Genome position (GRCh38, 1-based): chr8:144,512,175-144,512,180, GGGCCA deleted on the plus strand (TGGCCC on the coding strand, the reverse complement: RECQL4 is on the minus strand); deleting any 6 consecutive bases within chr8:144,512,175-144,512,185 gives the same sequence; the c. name uses the placement nearest the transcript's 3' end. VCF-style (leftmost placement, unchanged base first): chr8-144512174-CGGGCCA-C. GRCh37 (hg19) VCF-style: chr8-145737557-CGGGCCA-C.
Identifiers: ClinVar variation 1384161 (VCV001384161.6), dbSNP rs921796381, ClinGen allele CA187679507.

ClinVar aggregate classification (germline): Uncertain significance (1 of 4 stars; one submission).

Conditions:
Baller-Gerold syndrome (BGS). Also called: CRANIOSYNOSTOSIS WITH RADIAL DEFECTS. Identifiers: Orphanet 1225, MedGen C0265308, MONDO:0009039, OMIM 218600.

Submission:

Labcorp Genetics (formerly Invitae), Labcorp
Classification: Uncertain significance for Baller-Gerold syndrome. Last evaluated: 2023-09-30. Review status: criteria provided, single submitter. Criteria: Invitae Variant Classification Sherloc (09022015). Collection method: clinical testing. Allele origin: germline.
Comment: This variant, c.3200_3205del, results in the deletion of 2 amino acid(s) of the RECQL4 protein (p.Leu1067_Ala1068del), but otherwise preserves the integrity of the reading frame. Experimental studies and prediction algorithms are not available or were not evaluated, and the functional significance of this variant is currently unknown. In summary, the available evidence is currently insufficient to determine the role of this variant in disease. Therefore, it has been classified as a Variant of Uncertain Significance. ClinVar contains an entry for this variant (Variation ID: 1384161). This variant has not been reported in the literature in individuals affected with RECQL4-related conditions. This variant is present in population databases (no rsID available, gnomAD 0.003%).